The following is an entry in ClinVar:

NM_032802.4(SPPL2A):c.830C>T (p.Thr277Met)

Gene: SPPL2A (signal peptide peptidase like 2A; minus strand). Cytogenetic location: 15q21.2.
Variant type: single nucleotide variant.
Coding change: c.830C>T on transcript NM_032802.4 (MANE Select); coding-DNA position 830, C replaced by T.
Protein change: p.Thr277Met; replaces threonine 277 with methionine.
Molecular consequence: missense variant.
Genome position (GRCh38, 1-based): chr15:50,736,644, G>A on the plus strand (C>T on the coding strand, the complement: SPPL2A is on the minus strand). VCF-style: chr15-50736644-G-A. GRCh37 (hg19) VCF-style: chr15-51028841-G-A.
Other names: short protein forms T277M.
Identifiers: ClinVar variation 1449075 (VCV001449075.6), dbSNP rs147266738, ClinGen allele CA7558410.
Genomic context (GRCh38, chr15:50,736,644, plus strand): 5'-TTTGTATTGTTTCAAATTATAAACACCAACATTATAAGATTTCCTGTAAGAGATACGTAC[G>A]TGCATTGTCCATATGGTATCTTATGAATTAGTGCAGCAAGACAGTTGTACAGACTCATTG-3'
Protein context (NP_116191.2, residues 267-287): LIHKIPYGQC[Thr277Met]IACRGKNMEV

ClinVar aggregate classification (germline): Uncertain significance (1 of 4 stars; one submission).

Allele frequency attached by ClinVar (database versions not stated): gnomAD 0.00002 and 0.00003; TOPMed 0.00002; ESP Exome Variant Server 0.00008; gnomAD exomes 0.00012; ExAC 0.00014; 1000 Genomes Project 30x 0.00016; 1000 Genomes Project 0.00020.
gnomAD v4.1: 88 of 1,507,378 alleles (0.0058%); highest among the groups gnomAD compares: Non-Finnish European, 0.0044%; no homozygotes.

Submission:

Labcorp Genetics (formerly Invitae), Labcorp
Classification: Uncertain significance. Last evaluated: 2025-07-20. Review status: criteria provided, single submitter. Criteria: Invitae Variant Classification Sherloc (09022015). Collection method: clinical testing. Allele origin: germline.
Comment: This sequence change replaces threonine, which is neutral and polar, with methionine, which is neutral and non-polar, at codon 277 of the SPPL2A protein (p.Thr277Met). This variant is present in population databases (rs147266738, gnomAD 0.03%). This variant has not been reported in the literature in individuals affected with SPPL2A-related conditions. ClinVar contains an entry for this variant (Variation ID: 1449075). An algorithm developed to predict the effect of missense changes on protein structure and function outputs the following: PolyPhen-2: "Benign". The methionine amino acid residue is found in multiple mammalian species, which suggests that this missense change does not adversely affect protein function. Algorithms developed to predict the effect of sequence changes on RNA splicing suggest that this variant may disrupt the consensus splice site. In summary, the available evidence is currently insufficient to determine the role of this variant in disease. Therefore, it has been classified as a Variant of Uncertain Significance.